The following is an entry in ClinVar:

NM_015231.3(NUP160):c.307G>A (p.Val103Ile)

Gene: NUP160 (nucleoporin 160; minus strand). Cytogenetic location: 11p11.2.
Variant type: single nucleotide variant.
Coding change: c.307G>A on transcript NM_015231.3 (MANE Select); coding-DNA position 307, G replaced by A.
Protein change: p.Val103Ile; replaces valine 103 with isoleucine.
Molecular consequence: missense variant. On other transcripts: non-coding transcript variant (1).
Genome position (GRCh38, 1-based): chr11:47,840,494, C>T on the plus strand (G>A on the coding strand, the complement: NUP160 is on the minus strand). VCF-style: chr11-47840494-C-T. GRCh37 (hg19) VCF-style: chr11-47862046-C-T.
Other names: c.409G>A (NM_015231.2); c.409G>A, p.Val137Ile (NM_001318399.1); short protein forms V103I, V137I.
Identifiers: ClinVar variation 2171035 (VCV002171035.6), dbSNP rs142325189, ClinGen allele CA5981647.

ClinVar aggregate classification (germline): Likely benign. Review status: criteria provided, single submitter (1 of 4 stars). 2 submissions from 2 submitters: Likely benign (1). 1 of the submissions does not count toward it. Last evaluated 2026-01-23.

Conditions:
NUP160-related disorder. Also called: NUP160-related condition.

Allele frequency attached by ClinVar (database versions not stated): ExAC 0.00028; 1000 Genomes Project 30x 0.00031; ESP Exome Variant Server 0.00038; 1000 Genomes Project 0.00040.
gnomAD v4.1: 355 of 1,614,100 alleles (0.022%); highest among the groups gnomAD compares: Admixed American, 0.023%; 1 homozygote.

Submissions (2):

Labcorp Genetics (formerly Invitae), Labcorp
Classification: Likely benign. Last evaluated: 2026-01-23. Review status: criteria provided, single submitter. Criteria: Invitae Variant Classification Sherloc (09022015). Collection method: clinical testing. Allele origin: germline.

PreventionGenetics, part of Exact Sciences
Classification: Likely benign for NUP160-related condition. Last evaluated: 2021-09-13. Review status: no assertion criteria provided. Collection method: clinical testing. Allele origin: germline. Not counted in ClinVar's aggregate classification.
Comment: This variant is classified as likely benign based on ACMG/AMP sequence variant interpretation guidelines (Richards et al. 2015 PMID: 25741868, with internal and published modifications).